The following is an entry in ClinVar:

ClinVar aggregate classification (germline): Uncertain significance (1 of 4 stars; one submission).

Conditions:
Developmental and epileptic encephalopathy, 1 (DEE1). Also called: INFANTILE SPASM SYNDROME, X-LINKED 1; X-linked infantile spasms; West's syndrome; Tonic spasms with clustering, arrest of psychomotor development and hypsarrhythmia on EEG; X-Linked Infantile Spasm Syndrome; OHTAHARA SYNDROME, X-LINKED. Identifiers: MedGen C3463992, MONDO:0010632, OMIM 308350. Disease mechanism: loss of function.
Autosomal dominant nonsyndromic hearing loss 65. Also called: TBC1D24-Related Autosomal Dominant Nonsyndromic Hearing Loss (DFNA); Deafness, autosomal dominant 65. Identifiers: Orphanet 90635, MedGen C3892048, MONDO:0014470, OMIM 616044.

gnomAD v4.1: 17 of 1,608,402 alleles (0.0011%); highest among the groups gnomAD compares: Non-Finnish European, 0.00093%; no homozygotes.

Submission:

Labcorp Genetics (formerly Invitae), Labcorp
Classification: Uncertain significance for Developmental and epileptic encephalopathy, 1; Autosomal dominant nonsyndromic hearing loss 65. Last evaluated: 2022-06-03. Review status: criteria provided, single submitter. Criteria: Invitae Variant Classification Sherloc (09022015). Collection method: clinical testing. Allele origin: germline.
Comment: In summary, the available evidence is currently insufficient to determine the role of this variant in disease. Therefore, it has been classified as a Variant of Uncertain Significance. Advanced modeling of protein sequence and biophysical properties (such as structural, functional, and spatial information, amino acid conservation, physicochemical variation, residue mobility, and thermodynamic stability) performed at Invitae indicates that this missense variant is expected to disrupt TBC1D24 protein function. ClinVar contains an entry for this variant (Variation ID: 937307). This variant has not been reported in the literature in individuals affected with TBC1D24-related conditions. This variant is present in population databases (rs777604231, gnomAD 0.002%). This sequence change replaces cysteine, which is neutral and slightly polar, with tryptophan, which is neutral and slightly polar, at codon 131 of the TBC1D24 protein (p.Cys131Trp).

NM_001199107.2(TBC1D24):c.393C>G (p.Cys131Trp)

Gene: TBC1D24 (TBC1 domain family member 24; plus strand). Cytogenetic location: 16p13.3.
Variant type: single nucleotide variant.
Coding change: c.393C>G on transcript NM_001199107.2 (MANE Select); coding-DNA position 393, C replaced by G.
Protein change: p.Cys131Trp; replaces cysteine 131 with tryptophan.
Molecular consequence: missense variant.
Genome position (GRCh38, 1-based): chr16:2,496,541, C>G. VCF-style: chr16-2496541-C-G. GRCh37 (hg19) VCF-style: chr16-2546542-C-G.
Other names: c.393C>G, p.Cys131Trp (NM_020705.3); short protein forms C131W.
Identifiers: ClinVar variation 937307 (VCV000937307.8), dbSNP rs777604231, ClinGen allele CA7843991.